The following is an entry in ClinVar:

NM_000282.4(PCCA):c.742G>A (p.Glu248Lys)

Gene: PCCA (propionyl-CoA carboxylase subunit alpha; plus strand). Cytogenetic location: 13q32.3.
Variant type: single nucleotide variant.
Coding change: c.742G>A on transcript NM_000282.4 (MANE Select); coding-DNA position 742, G replaced by A.
Protein change: p.Glu248Lys; replaces glutamic acid 248 with lysine.
Molecular consequence: missense variant. On other transcripts: 5 prime UTR variant (3), non-coding transcript variant (5).
Genome position (GRCh38, 1-based): chr13:100,262,754, G>A. VCF-style: chr13-100262754-G-A. GRCh37 (hg19) VCF-style: chr13-100915008-G-A.
Other names: c.664G>A, p.Glu222Lys (NM_001127692.3, NM_001352607.2, NM_001352608.2); c.742G>A, p.Glu248Lys (NM_001178004.2, NM_001352605.2, NM_001352606.2 and 1 more transcripts); c.-204G>A (NM_001352610.2, NM_001352611.2, NM_001352612.2); short protein forms E248K, E222K.
Identifiers: ClinVar variation 418400 (VCV000418400.6), dbSNP rs1064793224, ClinGen allele CA16619606.
Genomic context (GRCh38, chr13:100,262,754, plus strand): 5'-CCCCCCCTCCTCCTTCTTCCTTCTTTTTTTCACAGGGATGGTTTTAGATTGTCATCTCAA[G>A]AAGCTGCTTCTAGTTTTGGCGATGATAGACTACTAATAGAAAAATTTATTGATAATCCTC-3'
Protein context (NP_000273.2, residues 238-258): TRDGFRLSSQ[Glu248Lys]AASSFGDDRL

ClinVar aggregate classification (germline): Conflicting classifications of pathogenicity. Review status: criteria provided, conflicting classifications (1 of 4 stars). 2 submissions from 2 submitters: Likely pathogenic (1); Uncertain significance (1). Last evaluated 2022-01-01.

Conditions:
Propionic acidemia (PROP). Also called: GLYCINEMIA, KETOTIC; HYPERGLYCINEMIA WITH KETOACIDOSIS AND LEUKOPENIA; KETOTIC HYPERGLYCINEMIA. Identifiers: Orphanet 35, MedGen C0268579, MONDO:0011628, OMIM 606054, HP:0003571.

Allele frequency attached by ClinVar (database versions not stated): gnomAD exomes below 0.00001.
gnomAD v4.1: 2 of 1,547,580 alleles (0.00013%); highest among the groups gnomAD compares: Non-Finnish European, 0.00018%; no homozygotes.

Submissions (2):

Labcorp Genetics (formerly Invitae), Labcorp
Classification: Uncertain significance for Propionic acidemia. Last evaluated: 2022-01-01. Review status: criteria provided, single submitter. Criteria: Invitae Variant Classification Sherloc (09022015). Collection method: clinical testing. Allele origin: germline.
Comment: ClinVar contains an entry for this variant (Variation ID: 418400). In summary, the available evidence is currently insufficient to determine the role of this variant in disease. Therefore, it has been classified as a Variant of Uncertain Significance. Advanced modeling of protein sequence and biophysical properties (such as structural, functional, and spatial information, amino acid conservation, physicochemical variation, residue mobility, and thermodynamic stability) performed at Invitae indicates that this missense variant is expected to disrupt PCCA protein function. This variant has not been reported in the literature in individuals affected with PCCA-related conditions. This variant is not present in population databases (gnomAD no frequency). This sequence change replaces glutamic acid, which is acidic and polar, with lysine, which is basic and polar, at codon 248 of the PCCA protein (p.Glu248Lys).

GeneDx
Classification: Likely pathogenic. Last evaluated: 2014-12-19. Review status: criteria provided, single submitter. Criteria: GeneDx Variant Classification (06012015). Collection method: clinical testing. Allele origin: germline. Affected: yes.
Comment: A novel E248K variant that is likely pathogenic was identified in the PCCA gene. It has not been published as a mutation, nor has it been reported as a benign polymorphism to our knowledge. The E248K variant is a non-conservative amino acid substitution, which is likely to impact secondary protein structure as these residues differ in polarity, charge, size and/or other properties. This substitution occurs at a position that is highly conserved across species, and in silico analysis predicts this variant is probably damaging to the protein structure/function. Therefore, E248K is a strong candidate for a pathogenic variant, however the possibility that it is a benign variant cannot be excluded.